The following is an entry in ClinVar:

ClinVar aggregate classification (germline): Uncertain significance (1 of 4 stars; one submission).

Conditions:
Shprintzen-Goldberg syndrome (SGS). Also called: Marfanoid disorder with craniosynostosis type 1; Marfanoid craniosynostosis syndrome; Shprintzen-Goldberg marfanoid syndrome; SHPRINTZEN-GOLDBERG CRANIOSYNOSTOSIS SYNDROME; CRANIOSYNOSTOSIS WITH ARACHNODACTYLY AND ABDOMINAL HERNIAS. Identifiers: Orphanet 2462, MedGen C1321551, MONDO:0008426, OMIM 182212.

Submission:

Labcorp Genetics (formerly Invitae), Labcorp
Classification: Uncertain significance for Shprintzen-Goldberg syndrome. Last evaluated: 2023-08-03. Review status: criteria provided, single submitter. Criteria: Invitae Variant Classification Sherloc (09022015). Collection method: clinical testing. Allele origin: germline.
Comment: This sequence change replaces glutamine, which is neutral and polar, with histidine, which is basic and polar, at codon 157 of the SKI protein (p.Gln157His). This variant is not present in population databases (gnomAD no frequency). This variant has not been reported in the literature in individuals affected with SKI-related conditions. Advanced modeling of protein sequence and biophysical properties (such as structural, functional, and spatial information, amino acid conservation, physicochemical variation, residue mobility, and thermodynamic stability) performed at Invitae indicates that this missense variant is expected to disrupt SKI protein function. In summary, the available evidence is currently insufficient to determine the role of this variant in disease. Therefore, it has been classified as a Variant of Uncertain Significance.

NM_003036.4(SKI):c.471G>C (p.Gln157His)

Gene: SKI (SKI proto-oncogene; plus strand). Cytogenetic location: 1p36.33.
Variant type: single nucleotide variant.
Coding change: c.471G>C on transcript NM_003036.4 (MANE Select); coding-DNA position 471, G replaced by C.
Protein change: p.Gln157His; replaces glutamine 157 with histidine.
Molecular consequence: missense variant.
Genome position (GRCh38, 1-based): chr1:2,229,237, G>C. VCF-style: chr1-2229237-G-C. GRCh37 (hg19) VCF-style: chr1-2160676-G-C.
Other names: short protein forms Q157H.
Identifiers: ClinVar variation 2749720 (VCV002749720.3), dbSNP rs569206617, ClinGen allele CA337953394.